The following is an entry in ClinVar:

ClinVar aggregate classification (germline): Pathogenic (1 of 4 stars; one submission).

Submission:

ISCA site 17
Classification: Pathogenic. Last evaluated: 2011-08-12. Review status: criteria provided, single submitter. Criteria: Kaminsky et al. (Genet Med. 2011). Collection method: clinical testing. Allele origin: unknown. Affected: yes. Observed: 1 variant allele.
Comment: Copy number variation identified through the course of routine clinical cytogenomic testing in postnatal populations. Clinical assertions have been curated as described in Kaminsky et al. 2011.

GRCh38/hg38 18p11.23-11.22(chr18:7542605-9320894)x3

Genes: ANKRD12 (ankyrin repeat domain 12; plus strand), GACAT2 (gastric cancer associated transcript 2; minus strand), MTCL1 (microtubule crosslinking factor 1; plus strand), NDUFV2 (NADH:ubiquinone oxidoreductase core subunit V2; plus strand), NDUFV2-AS1 (NDUFV2 antisense RNA 1; minus strand) and 37 more. Cytogenetic location: 18p11.23-11.22.
Variant type: copy number gain.
Change: copy number 3 (three copies instead of two) of chr18:7,542,605-9,320,894 (1.78 Mb, GRCh38 coordinates, 1-based), cytogenetic band 18p11.23-11.22.
Identifiers: ClinVar variation 58752 (VCV000058752.1).